The following is an entry in ClinVar:

NM_007227.3(GPR45):c.655C>T (p.Leu219Phe)

Gene: GPR45 (G protein-coupled receptor 45; plus strand). Cytogenetic location: 2q12.1.
Variant type: single nucleotide variant.
Coding change: c.655C>T on transcript NM_007227.3 (MANE Select); coding-DNA position 655, C replaced by T.
Protein change: p.Leu219Phe; replaces leucine 219 with phenylalanine.
Molecular consequence: missense variant.
Genome position (GRCh38, 1-based): chr2:105,242,513, C>T. VCF-style: chr2-105242513-C-T. GRCh37 (hg19) VCF-style: chr2-105858970-C-T.
Other names: short protein forms L219F.
Identifiers: ClinVar variation 1918392 (VCV001918392.5), dbSNP rs769899916, ClinGen allele CA1813631.

ClinVar aggregate classification (germline): Uncertain significance (1 of 4 stars; one submission).

Allele frequency attached by ClinVar (database versions not stated): TOPMed below 0.00001; ExAC 0.00001; gnomAD 0.00001; gnomAD exomes 0.00001.
gnomAD v4.1: 4 of 1,605,692 alleles (0.00025%); highest among the groups gnomAD compares: Admixed American, 0.0033%; no homozygotes.

Submission:

Labcorp Genetics (formerly Invitae), Labcorp
Classification: Uncertain significance. Last evaluated: 2024-02-24. Review status: criteria provided, single submitter. Criteria: Invitae Variant Classification Sherloc (09022015). Collection method: clinical testing. Allele origin: germline.
Comment: This sequence change replaces leucine, which is neutral and non-polar, with phenylalanine, which is neutral and non-polar, at codon 219 of the GPR45 protein (p.Leu219Phe). This variant is present in population databases (rs769899916, gnomAD 0.006%). This variant has not been reported in the literature in individuals affected with GPR45-related conditions. ClinVar contains an entry for this variant (Variation ID: 1918392). An algorithm developed to predict the effect of missense changes on protein structure and function (PolyPhen-2) suggests that this variant is likely to be tolerated. In summary, the available evidence is currently insufficient to determine the role of this variant in disease. Therefore, it has been classified as a Variant of Uncertain Significance.